The following is an entry in ClinVar:

NM_001110556.2(FLNA):c.6770-16A>G

Gene: FLNA (filamin A; minus strand). Cytogenetic location: Xq28.
Variant type: single nucleotide variant.
Coding change: c.6770-16A>G on transcript NM_001110556.2 (MANE Select); 16 bases into the intron before coding-DNA position 6770, A replaced by G.
Molecular consequence: intron variant.
Genome position (GRCh38, 1-based): chrX:154,352,037, T>C on the plus strand (A>G on the coding strand, the complement: FLNA is on the minus strand). VCF-style: chrX-154352037-T-C. GRCh37 (hg19) VCF-style: chrX-153580405-T-C.
Other names: c.6746-16A>G (NM_001456.4).
Identifiers: ClinVar variation 387189 (VCV000387189.8), dbSNP rs1057522722, ClinGen allele CA16608325.

ClinVar aggregate classification (germline): Benign/Likely benign. Review status: criteria provided, multiple submitters, no conflicts (2 of 4 stars). 4 submissions from 4 submitters: Benign (1); Likely benign (3). Last evaluated 2025-10-21.

Conditions:
Heterotopia, periventricular, X-linked dominant (PVNH1). Also called: PERIVENTRICULAR NODULAR HETEROTOPIA 4; HETEROTOPIA, PERIVENTRICULAR, 1; X-linked periventricular heterotopia; PERIVENTRICULAR NODULAR HETEROTOPIA 1. Identifiers: Orphanet 2149, Orphanet 82004, MedGen C1848213, MONDO:0010233, OMIM 300049.
Melnick-Needles syndrome (MNS). Also called: Melnick-Needles Syndrome (FLNA-MNS); MELNICK-NEEDLES OSTEODYSPLASTY; OSTEODYSPLASTY OF MELNICK AND NEEDLES. Identifiers: Orphanet 2484, MedGen C0025237, MONDO:0010650, OMIM 309350.
Oto-palato-digital syndrome, type II (OPD2). Also called: Otopalatodigital Syndrome, Type II; Otopalatodigital Syndrome Type 2 (FLNA-OPD2); FACIOPALATOOSSEOUS SYNDROME; OPD II SYNDROME. Identifiers: Orphanet 669, Orphanet 90652, MedGen C1844696, MONDO:0010571, OMIM 304120.
Frontometaphyseal dysplasia (FMD1). Identifiers: Orphanet 1826, MedGen C0265293, MONDO:0015942.

Allele frequency attached by ClinVar (database versions not stated): TOPMed below 0.00001; gnomAD 0.00001; gnomAD exomes 0.00001.
gnomAD v4.1: 14 of 1,210,103 alleles (0.0012%); highest among the groups gnomAD compares: Non-Finnish European, 0.0015%; no homozygotes.

Submissions (4):

Labcorp Genetics (formerly Invitae), Labcorp
Classification: Likely benign for Oto-palato-digital syndrome, type II; Heterotopia, periventricular, X-linked dominant; Frontometaphyseal dysplasia; Melnick-Needles syndrome. Last evaluated: 2025-10-21. Review status: criteria provided, single submitter. Criteria: Invitae Variant Classification Sherloc (09022015). Collection method: clinical testing. Allele origin: germline.

Women's Health and Genetics/Laboratory Corporation of America, LabCorp
Classification: Benign. Last evaluated: 2024-08-28. Review status: criteria provided, single submitter. Criteria: LabCorp Variant Classification Summary - May 2015. Collection method: clinical testing. Allele origin: germline.
Comment: Variant summary: FLNA c.6770-16A>G alters a non-conserved nucleotide located at a position not widely known to affect splicing. Several computational tools predict a significant impact on normal splicing: Two predict the variant weakens a 3' acceptor site. One predicts the variant has no significant impact on splicing. However, these predictions have yet to be confirmed by functional studies. The variant allele was found at a frequency of 1.2e-05 in 1210103 control chromosomes. The observed variant frequency is approximately 37-fold of the estimated maximal expected allele frequency for a pathogenic variant in FLNA causing Periventricular Nodular Heterotopia phenotype (3.1e-07). To our knowledge, no occurrence of c.6770-16A>G in individuals affected with Periventricular Nodular Heterotopia and no experimental evidence demonstrating its impact on protein function have been reported. ClinVar contains an entry for this variant (Variation ID: 387189). Based on the evidence outlined above, the variant was classified as benign.

Blueprint Genetics
Classification: Likely benign. Last evaluated: 2023-06-12. Review status: criteria provided, single submitter. Criteria: ACMG Guidelines, 2015. Collection method: clinical testing. Allele origin: germline.

GeneDx
Classification: Likely benign. Last evaluated: 2016-06-22. Review status: criteria provided, single submitter. Criteria: GeneDx Variant Classification (06012015). Collection method: clinical testing. Allele origin: germline. Affected: yes.
Comment: This variant is considered likely benign or benign based on one or more of the following criteria: it is a conservative change, it occurs at a poorly conserved position in the protein, it is predicted to be benign by multiple in silico algorithms, and/or has population frequency not consistent with disease.